The following is an entry in ClinVar:

NM_000037.4(ANK1):c.3679A>T (p.Thr1227Ser)

Gene: ANK1 (ankyrin 1; minus strand). Cytogenetic location: 8p11.21.
Variant type: single nucleotide variant.
Coding change: c.3679A>T on transcript NM_000037.4 (MANE Select); coding-DNA position 3679, A replaced by T.
Protein change: p.Thr1227Ser; replaces threonine 1227 with serine.
Molecular consequence: missense variant.
Genome position (GRCh38, 1-based): chr8:41,692,827, T>A on the plus strand (A>T on the coding strand, the complement: ANK1 is on the minus strand). VCF-style: chr8-41692827-T-A. GRCh37 (hg19) VCF-style: chr8-41550345-T-A.
Other names: c.3679A>T, p.Thr1227Ser (NM_020475.3, NM_020476.3, NM_020477.3); c.3802A>T, p.Thr1268Ser (NM_001142446.2); short protein forms T1268S, T1227S.
Identifiers: ClinVar variation 2892896 (VCV002892896.3), dbSNP rs753244752, ClinGen allele CA4727796.

ClinVar aggregate classification (germline): Uncertain significance (1 of 4 stars; one submission).

Allele frequency attached by ClinVar (database versions not stated): gnomAD exomes 0.00001; ExAC 0.00003; TOPMed 0.00010; gnomAD 0.00011.
gnomAD v4.1: 29 of 1,613,898 alleles (0.0018%); highest among the groups gnomAD compares: African/African-American, 0.039%; no homozygotes.

Submission:

Labcorp Genetics (formerly Invitae), Labcorp
Classification: Uncertain significance. Last evaluated: 2024-02-23. Review status: criteria provided, single submitter. Criteria: Invitae Variant Classification Sherloc (09022015). Collection method: clinical testing. Allele origin: germline.
Comment: This sequence change replaces threonine, which is neutral and polar, with serine, which is neutral and polar, at codon 1227 of the ANK1 protein (p.Thr1227Ser). This variant is present in population databases (rs753244752, gnomAD 0.04%). This variant has not been reported in the literature in individuals affected with ANK1-related conditions. Algorithms developed to predict the effect of missense changes on protein structure and function output the following: SIFT: "Not Available"; PolyPhen-2: "Benign"; Align-GVGD: "Not Available". The serine amino acid residue is found in multiple mammalian species, which suggests that this missense change does not adversely affect protein function. In summary, the available evidence is currently insufficient to determine the role of this variant in disease. Therefore, it has been classified as a Variant of Uncertain Significance.